The following is an entry in ClinVar:

ClinVar aggregate classification (germline): Benign (0 of 4 stars; one submission).

Conditions:
LRP1B-related disorder. Also called: LRP1B-related condition.

Allele frequency attached by ClinVar (database versions not stated): 1000 Genomes Project 0.10383; 1000 Genomes Project 30x 0.10634; TOPMed 0.12536; ESP Exome Variant Server 0.13236; gnomAD 0.13247; ExAC 0.14558; gnomAD exomes 0.16066.
gnomAD v4.1: 238,328 of 1,514,982 alleles (16%); highest among the groups gnomAD compares: Non-Finnish European, 17%; 20,331 homozygotes.

Submission:

PreventionGenetics, part of Exact Sciences
Classification: Benign for LRP1B-related condition. Last evaluated: 2019-10-31. Review status: no assertion criteria provided. Collection method: clinical testing. Allele origin: germline.
Comment: This variant is classified as benign based on ACMG/AMP sequence variant interpretation guidelines (Richards et al. 2015 PMID: 25741868, with internal and published modifications).

NM_018557.3(LRP1B):c.4335-7T>G

Gene: LRP1B (LDL receptor related protein 1B; minus strand). Cytogenetic location: 2q22.1.
Variant type: single nucleotide variant.
Coding change: c.4335-7T>G on transcript NM_018557.3 (MANE Select); 7 bases into the intron before coding-DNA position 4335, T replaced by G.
Molecular consequence: intron variant.
Genome position (GRCh38, 1-based): chr2:140,867,841, A>C on the plus strand (T>G on the coding strand, the complement: LRP1B is on the minus strand). VCF-style: chr2-140867841-A-C. GRCh37 (hg19) VCF-style: chr2-141625410-A-C.
Identifiers: ClinVar variation 3059721 (VCV003059721.2), dbSNP rs12987572, ClinGen allele CA1895196.